The following is an entry in ClinVar:

NM_001281775.3(ZMYND8):c.1093G>A (p.Glu365Lys)

Gene: ZMYND8 (zinc finger MYND-type containing 8; minus strand). Cytogenetic location: 20q13.12.
Variant type: single nucleotide variant.
Coding change: c.1093G>A on transcript NM_001281775.3 (MANE Select); coding-DNA position 1093, G replaced by A.
Protein change: p.Glu365Lys; replaces glutamic acid 365 with lysine.
Molecular consequence: missense variant.
Genome position (GRCh38, 1-based): chr20:47,276,701, C>T on the plus strand (G>A on the coding strand, the complement: ZMYND8 is on the minus strand). VCF-style: chr20-47276701-C-T. GRCh37 (hg19) VCF-style: chr20-45905445-C-T.
Other names: c.1114G>A, p.Glu372Lys (NM_001363714.1); c.1033G>A, p.Glu345Lys (NM_001363741.2, NM_001281772.3, NM_001281773.3 and 1 more transcripts); c.1093G>A, p.Glu365Lys (NM_012408.6, NM_183047.4, NM_001281776.3 and 1 more transcripts); c.1018G>A, p.Glu340Lys (NM_183048.4, NM_001281777.3, NM_001281778.3 and 4 more transcripts); c.289G>A, p.Glu97Lys (NM_001281779.3, NM_001281780.3); short protein forms E372K, E340K, E345K, E365K, E97K.
Identifiers: ClinVar variation 4830828 (VCV004830828.1).

ClinVar aggregate classification (germline): Likely pathogenic (1 of 4 stars; one submission).

Submission:

Ambry Genetics
Classification: Likely pathogenic. Last evaluated: 2026-01-07. Review status: criteria provided, single submitter. Criteria: Ambry Variant Classification Scheme 2023. Collection method: clinical testing. Allele origin: germline.
Comment: The c.1093G>A (p.E365K) alteration is located in coding exon 11 of the ZMYND8 gene. This alteration results from a G to A substitution at nucleotide position 1093, causing the glutamic acid (E) at amino acid position 365 to be replaced by a lysine (K). This variant was not reported in population-based cohorts in the Genome Aggregation Database (gnomAD). This amino acid position is highly conserved in available vertebrate species. This missense alteration is located in a region that has a low rate of benign missense variation (Lek, 2016; Firth, 2009). This alteration is predicted to be deleterious by in silico analysis. Based on the available evidence, this alteration is classified as likely pathogenic.